The following is an entry in ClinVar:

NM_000064.4(C3):c.283G>A (p.Glu95Lys)

Gene: C3 (complement C3; minus strand). Cytogenetic location: 19p13.3.
Variant type: single nucleotide variant.
Coding change: c.283G>A on transcript NM_000064.4 (MANE Select); coding-DNA position 283, G replaced by A.
Protein change: p.Glu95Lys; replaces glutamic acid 95 with lysine.
Molecular consequence: missense variant.
Genome position (GRCh38, 1-based): chr19:6,718,397, C>T on the plus strand (G>A on the coding strand, the complement: C3 is on the minus strand). VCF-style: chr19-6718397-C-T. GRCh37 (hg19) VCF-style: chr19-6718408-C-T.
Other names: c.283G>A (NM_000064.2); short protein forms E95K.
Identifiers: ClinVar variation 1485719 (VCV001485719.9), dbSNP rs746332934, ClinGen allele CA9129850.
Genomic context (GRCh38, chr19:6,718,397, plus strand): 5'-GGGTCCCGAAGGTGGCCTGCACGGTCACGAACTTGTTGCGCCCCTTTTCTGACTTGAACT[C>T]CCTGTTGGCTGGGATCTAGGCGTGGGCAGGGCATTGTCAGGGGTCTGTTCCAAGGCCCCA-3'
Protein context (NP_000055.2, residues 85-105): NVTFTIPANR[Glu95Lys]FKSEKGRNKF

ClinVar aggregate classification (germline): Uncertain significance. Review status: criteria provided, multiple submitters, no conflicts (2 of 4 stars). 3 submissions from 3 submitters: Uncertain significance (3). Last evaluated 2026-01-11.

Conditions:
Inborn genetic diseases. Identifiers: MedGen C0950123, MeSH D030342.
Atypical hemolytic-uremic syndrome with C3 anomaly. Also called: AHUS, SUSCEPTIBILITY TO, 5. Identifiers: Orphanet 2134, MedGen C2752037, MONDO:0013043, OMIM 612925.
Complement component 3 deficiency. Identifiers: Orphanet 280133, MedGen C3151071, MONDO:0013417, OMIM 613779.
Age related macular degeneration 9. Identifiers: MedGen C1969651, MONDO:0012659, OMIM 611378.

Allele frequency attached by ClinVar (database versions not stated): ExAC 0.00001; gnomAD 0.00002; gnomAD exomes 0.00002 and 0.00007; TOPMed 0.00002.
gnomAD v4.1: 109 of 1,614,100 alleles (0.0068%); highest among the groups gnomAD compares: Non-Finnish European, 0.0089%; no homozygotes.

Submissions (3):

Labcorp Genetics (formerly Invitae), Labcorp
Classification: Uncertain significance. Last evaluated: 2026-01-11. Review status: criteria provided, single submitter. Criteria: Invitae Variant Classification Sherloc (09022015). Collection method: clinical testing. Allele origin: germline.
Comment: This sequence change replaces glutamic acid, which is acidic and polar, with lysine, which is basic and polar, at codon 95 of the C3 protein (p.Glu95Lys). This variant is present in population databases (rs746332934, gnomAD 0.003%). This variant has not been reported in the literature in individuals affected with C3-related conditions. ClinVar contains an entry for this variant (Variation ID: 1485719). Invitae Evidence Modeling of protein sequence and biophysical properties (such as structural, functional, and spatial information, amino acid conservation, physicochemical variation, residue mobility, and thermodynamic stability) indicates that this missense variant is not expected to disrupt C3 protein function with a negative predictive value of 80%. In summary, the available evidence is currently insufficient to determine the role of this variant in disease. Therefore, it has been classified as a Variant of Uncertain Significance.

Fulgent Genetics
Classification: Uncertain significance for Age related macular degeneration 9; Atypical hemolytic-uremic syndrome with C3 anomaly; Complement component 3 deficiency. Last evaluated: 2024-05-17. Review status: criteria provided, single submitter. Criteria: ACMG Guidelines, 2015. Collection method: clinical testing. Allele origin: germline.

Ambry Genetics
Classification: Uncertain significance for Inborn genetic diseases. Last evaluated: 2024-02-05. Review status: criteria provided, single submitter. Criteria: Ambry Variant Classification Scheme 2023. Collection method: clinical testing. Allele origin: germline.